The following is an entry in ClinVar:

ClinVar aggregate classification (germline): Likely benign (1 of 4 stars; one submission).

Conditions:
Legius syndrome. Identifiers: Orphanet 137605, MedGen C1969623, MONDO:0012669, OMIM 611431. Disease mechanism: loss of function.

Allele frequency attached by ClinVar (database versions not stated): TOPMed 0.00030; 1000 Genomes Project 30x 0.00141; 1000 Genomes Project 0.00160.
gnomAD v4.1: 32 of 152,252 alleles (0.021%); highest among the groups gnomAD compares: East Asian, 0.6%; no homozygotes.

Submission:

Illumina Laboratory Services, Illumina
Classification: Likely benign for Legius syndrome. Last evaluated: 2018-01-13. Review status: criteria provided, single submitter. Criteria: ICSL Variant Classification Criteria 13 December 2019. Collection method: clinical testing. Allele origin: germline.
Comment: This variant was observed in the ICSL laboratory as part of a predisposition screen in an ostensibly healthy population. It had not been previously curated by ICSL or reported in the Human Gene Mutation Database (HGMD: prior to June 1st, 2018), and was therefore a candidate for classification through an automated scoring system. Utilizing variant allele frequency, disease prevalence and penetrance estimates, and inheritance mode, an automated score was calculated to assess if this variant is too frequent to cause the disease. Based on the score and internal cut-off values, a variant classified as likely benign is not then subjected to further curation. The score for this variant resulted in a classification of likely benign for this disease.

NM_152594.3(SPRED1):c.*2611C>T

Gene: SPRED1 (sprouty related EVH1 domain containing 1; plus strand). Cytogenetic location: 15q14.
Variant type: single nucleotide variant.
Coding change: c.*2611C>T on transcript NM_152594.3 (MANE Select); 2611 bases downstream of the stop codon, C replaced by T.
Molecular consequence: 3 prime UTR variant.
Genome position (GRCh38, 1-based): chr15:38,354,275, C>T. VCF-style: chr15-38354275-C-T. GRCh37 (hg19) VCF-style: chr15-38646476-C-T.
Identifiers: ClinVar variation 887204 (VCV000887204.4), dbSNP rs181716461, ClinGen allele CA269293700.